The following is an entry in ClinVar:

NM_032043.3(BRIP1):c.3346A>G (p.Thr1116Ala)

Gene: BRIP1 (BRCA1 interacting DNA helicase 1; minus strand). Cytogenetic location: 17q23.2.
Variant type: single nucleotide variant.
Coding change: c.3346A>G on transcript NM_032043.3 (MANE Select); coding-DNA position 3346, A replaced by G.
Protein change: p.Thr1116Ala; replaces threonine 1116 with alanine.
Molecular consequence: missense variant.
Genome position (GRCh38, 1-based): chr17:61,683,700, T>C on the plus strand (A>G on the coding strand, the complement: BRIP1 is on the minus strand). VCF-style: chr17-61683700-T-C. GRCh37 (hg19) VCF-style: chr17-59761061-T-C.
Other names: short protein forms T1116A.
Identifiers: ClinVar variation 2630713 (VCV002630713.5), dbSNP rs2144079365, ClinGen allele CA400478930.

ClinVar aggregate classification (germline): Uncertain significance. Review status: criteria provided, multiple submitters, no conflicts (2 of 4 stars). 3 submissions from 3 submitters: Uncertain significance (3). Last evaluated 2026-04-05.

Conditions:
BRIP1-related disorder. Also called: BRIP1-related condition; BRIP1-related disorders. Identifiers: MedGen CN239206.
Fanconi anemia complementation group J. Also called: BRIP1-Related Fanconi Anemia. Identifiers: Orphanet 84, MedGen C1836860, MONDO:0012187, OMIM 609054.
Familial cancer of breast. Also called: BREAST CANCER, FAMILIAL; Hereditary breast cancer; hereditary breast carcinoma. Identifiers: Orphanet 227535, MedGen C0346153, MONDO:0016419, OMIM 114480. Disease mechanism: loss of function.
Hereditary cancer-predisposing syndrome. Also called: Neoplastic Syndromes, Hereditary; Tumor predisposition; Hereditary Cancer Syndrome; Hereditary neoplastic syndrome. Identifiers: Orphanet 140162, MedGen C0027672, MeSH D009386, MONDO:0015356.

gnomAD v4.1: 1 of 1,613,992 alleles (0.000062%); highest among the groups gnomAD compares: Non-Finnish European, 0.000085%; no homozygotes.

Submissions (3):

Ambry Genetics
Classification: Uncertain significance for Hereditary cancer-predisposing syndrome. Last evaluated: 2026-04-05. Review status: criteria provided, single submitter. Criteria: Ambry Variant Classification Scheme 2023. Collection method: clinical testing. Allele origin: germline.
Comment: The p.T1116A variant (also known as c.3346A>G), located in coding exon 19 of the BRIP1 gene, results from an A to G substitution at nucleotide position 3346. The threonine at codon 1116 is replaced by alanine, an amino acid with similar properties. This amino acid position is conserved. In addition, this alteration is predicted to be tolerated by in silico analysis. Based on the available evidence, the clinical significance of this variant remains unclear.

PreventionGenetics, part of Exact Sciences
Classification: Uncertain significance for BRIP1-related condition. Last evaluated: 2023-08-25. Review status: criteria provided, single submitter. Criteria: ACMG Guidelines, 2015. Collection method: clinical testing. Allele origin: germline.
Comment: The BRIP1 c.3346A>G variant is predicted to result in the amino acid substitution p.Thr1116Ala. To our knowledge, this variant has not been reported in the literature or in a large population database, indicating this variant is rare. At this time, the clinical significance of this variant is uncertain due to the absence of conclusive functional and genetic evidence.

Labcorp Genetics (formerly Invitae), Labcorp
Classification: Uncertain significance for Familial cancer of breast; Fanconi anemia complementation group J. Last evaluated: 2023-06-20. Review status: criteria provided, single submitter. Criteria: Invitae Variant Classification Sherloc (09022015). Collection method: clinical testing. Allele origin: germline.
Comment: Algorithms developed to predict the effect of missense changes on protein structure and function output the following: SIFT: "Not Available"; PolyPhen-2: "Benign"; Align-GVGD: "Not Available". The alanine amino acid residue is found in multiple mammalian species, which suggests that this missense change does not adversely affect protein function. In summary, the available evidence is currently insufficient to determine the role of this variant in disease. Therefore, it has been classified as a Variant of Uncertain Significance. This sequence change replaces threonine, which is neutral and polar, with alanine, which is neutral and non-polar, at codon 1116 of the BRIP1 protein (p.Thr1116Ala). This variant is not present in population databases (gnomAD no frequency). This variant has not been reported in the literature in individuals affected with BRIP1-related conditions.